The following is an entry in ClinVar:

NM_005751.5(AKAP9):c.8981T>C (p.Leu2994Pro)

Gene: AKAP9 (A-kinase anchoring protein 9; plus strand). Cytogenetic location: 7q21.2.
Variant type: single nucleotide variant.
Coding change: c.8981T>C on transcript NM_005751.5 (MANE Select); coding-DNA position 8981, T replaced by C.
Protein change: p.Leu2994Pro; replaces leucine 2994 with proline.
Molecular consequence: missense variant.
Genome position (GRCh38, 1-based): chr7:92,085,643, T>C. VCF-style: chr7-92085643-T-C. GRCh37 (hg19) VCF-style: chr7-91714957-T-C.
Other names: c.3626T>C, p.Leu1209Pro (NM_001379277.1); c.8957T>C, p.Leu2986Pro (NM_147185.3); short protein forms L2986P, L1209P, L2994P.
Identifiers: ClinVar variation 1447196 (VCV001447196.8), dbSNP rs2130875865, ClinGen allele CA368143113.

ClinVar aggregate classification (germline): Uncertain significance (1 of 4 stars; one submission).

Conditions:
Long QT syndrome (LQTS). Identifiers: MedGen C0023976, MeSH D008133, MONDO:0002442. Disease mechanism: loss of function. Inheritance: Various modes of inheritance.

Allele frequency attached by ClinVar (database versions not stated): gnomAD exomes below 0.00001.
gnomAD v4.1: 2 of 1,613,496 alleles (0.00012%); highest among the groups gnomAD compares: Non-Finnish European, 0.00017%; no homozygotes.

Submission:

Labcorp Genetics (formerly Invitae), Labcorp
Classification: Uncertain significance for Long QT syndrome. Last evaluated: 2021-01-16. Review status: criteria provided, single submitter. Criteria: Invitae Variant Classification Sherloc (09022015). Collection method: clinical testing. Allele origin: germline.
Comment: In summary, the available evidence is currently insufficient to determine the role of this variant in disease. Therefore, it has been classified as a Variant of Uncertain Significance. Algorithms developed to predict the effect of missense changes on protein structure and function are either unavailable or do not agree on the potential impact of this missense change (SIFT: "Deleterious"; PolyPhen-2: "Probably Damaging"; Align-GVGD: "Class C0"). This variant has not been reported in the literature in individuals with AKAP9-related conditions. This variant is not present in population databases (ExAC no frequency). This sequence change replaces leucine with proline at codon 2994 of the AKAP9 protein (p.Leu2994Pro). The leucine residue is highly conserved and there is a moderate physicochemical difference between leucine and proline.